The following is an entry in ClinVar:

NM_000135.4(FANCA):c.4357C>T (p.His1453Tyr)

Genes: FANCA (FA complementation group A; minus strand), ZNF276 (zinc finger protein 276; plus strand). Cytogenetic location: 16q24.3.
Variant type: single nucleotide variant.
Coding change: c.4357C>T on transcript NM_000135.4 (MANE Select); coding-DNA position 4357, C replaced by T.
Protein change: p.His1453Tyr; replaces histidine 1453 with tyrosine.
Molecular consequence: missense variant. On other transcripts: 3 prime UTR variant (3), non-coding transcript variant (4).
Genome position (GRCh38, 1-based): chr16:89,738,612, G>A on the plus strand (C>T on the coding strand, the complement: FANCA is on the minus strand). VCF-style: chr16-89738612-G-A. GRCh37 (hg19) VCF-style: chr16-89805020-G-A.
Other names: c.*86C>T (NM_001286167.3); c.*366G>A (NM_001113525.2, NM_152287.4); short protein forms H1453Y.
Identifiers: ClinVar variation 1374412 (VCV001374412.3), dbSNP rs1338647532, ClinGen allele CA397482969.
Genomic context (GRCh38, chr16:89,738,612, plus strand): 5'-AATAAATTATTTACACGGGAGCTGGGCTGGTGTGCAGTGGCAGGTCCCGTCAGAAGAGAT[G>A]AGGCTCCTGGGACAGGTCAGCGTCAGGGGCAGCCTGCTGTCTGCTCTGGAGGGCGGCGCT-3'
Protein context (NP_000126.2, residues 1443-1455): APDADLSQEP[His1453Tyr]LF

ClinVar aggregate classification (germline): Uncertain significance (1 of 4 stars; one submission).

Conditions:
Fanconi anemia (FA). Also called: Fanconi's anemia. Identifiers: Orphanet 84, MedGen C0015625, MeSH D005199, MONDO:0019391.

Allele frequency attached by ClinVar (database versions not stated): gnomAD exomes below 0.00001.
gnomAD v4.1: 4 of 1,613,462 alleles (0.00025%); highest among the groups gnomAD compares: East Asian, 0.0089%; no homozygotes.

Submission:

Labcorp Genetics (formerly Invitae), Labcorp
Classification: Uncertain significance for Fanconi anemia. Last evaluated: 2022-02-17. Review status: criteria provided, single submitter. Criteria: Invitae Variant Classification Sherloc (09022015). Collection method: clinical testing. Allele origin: germline.
Comment: This sequence change replaces histidine, which is basic and polar, with tyrosine, which is neutral and polar, at codon 1453 of the FANCA protein (p.His1453Tyr). This variant is not present in population databases (gnomAD no frequency). This variant has not been reported in the literature in individuals affected with FANCA-related conditions. Advanced modeling of protein sequence and biophysical properties (such as structural, functional, and spatial information, amino acid conservation, physicochemical variation, residue mobility, and thermodynamic stability) performed at Invitae indicates that this missense variant is not expected to disrupt FANCA protein function. Algorithms developed to predict the effect of sequence changes on RNA splicing suggest that this variant is not likely to affect RNA splicing. In summary, the available evidence is currently insufficient to determine the role of this variant in disease. Therefore, it has been classified as a Variant of Uncertain Significance.